The following is an entry in ClinVar:

NM_000143.4(FH):c.1342C>T (p.Leu448=)

Gene: FH (fumarate hydratase; minus strand). Cytogenetic location: 1q43.
Variant type: single nucleotide variant.
Coding change: c.1342C>T on transcript NM_000143.4 (MANE Select); coding-DNA position 1342, C replaced by T.
Protein change: p.Leu448=; no amino-acid change (leucine 448 retained).
Molecular consequence: synonymous variant.
Genome position (GRCh38, 1-based): chr1:241,500,485, G>A on the plus strand (C>T on the coding strand, the complement: FH is on the minus strand). VCF-style: chr1-241500485-G-A. GRCh37 (hg19) VCF-style: chr1-241663785-G-A.
Other names: c.1342C>T (NM_000143.3).
Identifiers: ClinVar variation 1117437 (VCV001117437.12), dbSNP rs2147913090, ClinGen allele CA424075483.
Genomic context (GRCh38, chr1:241,500,485, plus strand): 5'-TTAAACACTTACCTATATGAGGATTGAGAGCTGTCACCAACATTAGAGACTCATTCATCA[G>A]CTTGTTGATCCTTTCTGTATTGGCCTGGATTCCCACCACGCAGTTTTCTGTAAAGGAAAC-3'
Protein context (NP_000134.2, residues 438-458): IQANTERINK[Leu448=]MNESLMLVTA

ClinVar aggregate classification (germline): Benign/Likely benign. Review status: criteria provided, multiple submitters, no conflicts (2 of 4 stars). 3 submissions from 3 submitters: Benign (1); Likely benign (2). Last evaluated 2025-02-11.

Conditions:
Hereditary cancer-predisposing syndrome. Also called: Neoplastic Syndromes, Hereditary; Hereditary Cancer Syndrome; Hereditary neoplastic syndrome; Tumor predisposition. Identifiers: Orphanet 140162, MedGen C0027672, MeSH D009386, MONDO:0015356.
Hereditary leiomyomatosis and renal cell cancer. Also called: Reed syndrome; Multiple cutaneous and uterine leiomyomatosis; Cutaneous leiomyomata with uterine leiomyomata; Leiomyoma, hereditary multiple, of skin; Multiple cutaneous and uterine leiomyomata; Multiple cutaneous leiomyomas. Identifiers: Orphanet 523, MedGen C1708350, MONDO:0007888, OMIM 150800, HP:0007437. Disease mechanism: loss of function.

Submissions (3):

Labcorp Genetics (formerly Invitae), Labcorp
Classification: Likely benign. Last evaluated: 2025-02-11. Review status: criteria provided, single submitter. Criteria: Invitae Variant Classification Sherloc (09022015). Collection method: clinical testing. Allele origin: germline.

Myriad Genetics, Inc.
Classification: Benign for Hereditary leiomyomatosis and renal cell cancer. Last evaluated: 2024-10-21. Review status: criteria provided, single submitter. Criteria: Myriad Autosomal Dominant, Autosomal Recessive and X-Linked Classification Criteria (2023). Collection method: clinical testing. Allele origin: unknown.
Comment: This variant is considered benign. This variant is a silent/synonymous amino acid change and it is not expected to impact splicing.

Ambry Genetics
Classification: Likely benign for Hereditary cancer-predisposing syndrome. Last evaluated: 2023-01-21. Review status: criteria provided, single submitter. Criteria: Ambry Variant Classification Scheme 2023. Collection method: clinical testing. Allele origin: germline.